The following is an entry in ClinVar:

ClinVar aggregate classification (germline): Likely pathogenic (1 of 4 stars; one submission).

Conditions:
Glycogen storage disease, type II (IOPD). Also called: Pompe Disease; CARDIOMEGALIA GLYCOGENICA DIFFUSA; GLYCOGENOSIS, GENERALIZED, CARDIAC FORM; GSD II; POMPE DISEASE, INFANTILE-ONSET; GLYCOGEN STORAGE DISEASE II, INFANTILE-ONSET. Identifiers: Orphanet 365, MedGen C0017921, MONDO:0009290, OMIM 232300.

Submission:

Genomenon, Inc
Classification: Likely pathogenic for Glycogen storage disease, type II. Last evaluated: 2026-07-01. Review status: criteria provided, single submitter. Criteria: Genomenon Sequence Variant Interpretation Standards - Updated. Collection method: curation. Allele origin: germline. Affected: yes.
Comment: GAA p.Pro522Arg (c.1565C>G) is a missense variant that changes the amino acid at codon 522 from Proline to Arginine. This variant has been observed in at least one proband with a GAA-related disorder in the compound heterozygous and/or homozygous state (PMID:39273088). The presence of pathogenic/likely pathogenic missense variant(s) at the same amino acid position indicates that this residue is likely important for protein function. It is absent or not present at a significant frequency in gnomAD. In silico models predict that this variant is possibly or probably damaging. In conclusion, we classify GAA p.Pro522Arg (c.1565C>G) as a likely pathogenic variant.

Literature cited by the submitters: PubMed 39273088.

NM_000152.5(GAA):c.1565C>G (p.Pro522Arg)

Gene: GAA (alpha glucosidase; plus strand). Cytogenetic location: 17q25.3.
Variant type: single nucleotide variant.
Coding change: c.1565C>G on transcript NM_000152.5 (MANE Select); coding-DNA position 1565, C replaced by G.
Protein change: p.Pro522Arg; replaces proline 522 with arginine.
Molecular consequence: missense variant.
Genome position (GRCh38, 1-based): chr17:80,110,954, C>G. VCF-style: chr17-80110954-C-G. GRCh37 (hg19) VCF-style: chr17-78084753-C-G.
Other names: c.1565C>G, p.Pro522Arg (NM_001406741.1, NM_001406742.1, NM_001079803.3 and 1 more transcripts); short protein forms P522R.
Identifiers: ClinVar variation 4876634 (VCV004876634.1).